The following is an entry in ClinVar:

NM_025144.4(ALPK1):c.699G>A (p.Lys233=)

Gene: ALPK1 (alpha kinase 1; plus strand). Cytogenetic location: 4q25.
Variant type: single nucleotide variant.
Coding change: c.699G>A on transcript NM_025144.4 (MANE Select); coding-DNA position 699, G replaced by A.
Protein change: p.Lys233=; no amino-acid change (lysine 233 retained).
Molecular consequence: synonymous variant.
Genome position (GRCh38, 1-based): chr4:112,426,543, G>A. VCF-style: chr4-112426543-G-A. GRCh37 (hg19) VCF-style: chr4-113347699-G-A.
Other names: c.699G>A, p.Lys233= (NM_001102406.2); c.465G>A, p.Lys155= (NM_001253884.2).
Identifiers: ClinVar variation 2068299 (VCV002068299.4), dbSNP rs757781434, ClinGen allele CA3046520.
Genomic context (GRCh38, chr4:112,426,543, plus strand): 5'-AGCAGAGTTAATATGGGCCTCCATTGTAGGATATTTGGCACTTCCTCAGCCGGATAAAAA[G>A]GTGGTTTGTCTAGTGCTTCTTTTTCTCCTTTCCTGTATTTGTCTTTGGATGATTATCTCT-3'
Protein context (NP_079420.3, residues 223-243): GYLALPQPDK[Lys233=]GLSTSLGILA

ClinVar aggregate classification (germline): Uncertain significance (1 of 4 stars; one submission).

Allele frequency attached by ClinVar (database versions not stated): gnomAD exomes 0.00001; ExAC 0.00002; gnomAD 0.00009; TOPMed 0.00009.
gnomAD v4.1: 23 of 1,568,408 alleles (0.0015%); highest among the groups gnomAD compares: African/African-American, 0.026%; no homozygotes.

Submission:

Labcorp Genetics (formerly Invitae), Labcorp
Classification: Uncertain significance. Last evaluated: 2025-09-01. Review status: criteria provided, single submitter. Criteria: Invitae Variant Classification Sherloc (09022015). Collection method: clinical testing. Allele origin: germline.
Comment: This sequence change affects codon 233 of the ALPK1 mRNA. It is a 'silent' change, meaning that it does not change the encoded amino acid sequence of the ALPK1 protein. This variant also falls at the last nucleotide of exon 8, which is part of the consensus splice site for this exon. This variant is present in population databases (rs757781434, gnomAD 0.02%). This variant has not been reported in the literature in individuals affected with ALPK1-related conditions. ClinVar contains an entry for this variant (Variation ID: 2068299). Variants that disrupt the consensus splice site are a relatively common cause of aberrant splicing (PMID: 17576681, 9536098). Algorithms developed to predict the effect of sequence changes on RNA splicing suggest that this variant may disrupt the consensus splice site. In summary, the available evidence is currently insufficient to determine the role of this variant in disease. Therefore, it has been classified as a Variant of Uncertain Significance.

Literature cited by the submitters: PubMed 17576681; PubMed 9536098.